The following is an entry in ClinVar:

ClinVar aggregate classification (germline): Benign (1 of 4 stars; one submission).

Conditions:
Familial adenomatous polyposis 1 (FAP1). Also called: POLYPOSIS, ADENOMATOUS INTESTINAL; FAMILIAL ADENOMATOUS POLYPOSIS 1, ATTENUATED. Identifiers: MedGen C2713442, MONDO:0021056, OMIM 175100. Disease mechanism: loss of function.

Submission:

Myriad Genetics, Inc.
Classification: Benign for Familial adenomatous polyposis 1. Last evaluated: 2024-04-01. Review status: criteria provided, single submitter. Criteria: Myriad Autosomal Dominant, Autosomal Recessive and X-Linked Classification Criteria (2023). Collection method: clinical testing. Allele origin: unknown.
Comment: This variant is considered benign. This variant is a silent/synonymous amino acid change and it is not expected to impact splicing.

NM_000038.6(APC):c.5193T>A (p.Ala1731=)

Gene: APC (APC regulator of Wnt signaling pathway; plus strand). Cytogenetic location: 5q22.2.
Variant type: single nucleotide variant.
Coding change: c.5193T>A on transcript NM_000038.6 (MANE Select); coding-DNA position 5193, T replaced by A.
Protein change: p.Ala1731=; no amino-acid change (alanine 1731 retained).
Molecular consequence: synonymous variant. On other transcripts: non-coding transcript variant (2).
Genome position (GRCh38, 1-based): chr5:112,840,787, T>A. VCF-style: chr5-112840787-T-A. GRCh37 (hg19) VCF-style: chr5-112176484-T-A.
Other names: c.5193T>A, p.Ala1731= (NM_001127510.3, NM_001354895.2, NM_001407450.1); c.5139T>A, p.Ala1713= (NM_001127511.3); c.5247T>A, p.Ala1749= (NM_001354896.2, NM_001407447.1, NM_001407448.1 and 1 more transcripts); c.5223T>A, p.Ala1741= (NM_001354897.2); c.5118T>A, p.Ala1706= (NM_001354898.2); c.5109T>A, p.Ala1703= (NM_001354899.2); c.5070T>A, p.Ala1690= (NM_001354900.2); c.5016T>A, p.Ala1672= (NM_001354901.2, NM_001407453.1); and 11 more.
Identifiers: ClinVar variation 3253869 (VCV003253869.1), dbSNP rs2149934328.